The following is an entry in ClinVar:

NM_001042681.2(RERE):c.468G>A (p.Pro156=)

Gene: RERE (arginine-glutamic acid dipeptide repeats; minus strand). Cytogenetic location: 1p36.23.
Variant type: single nucleotide variant.
Coding change: c.468G>A on transcript NM_001042681.2 (MANE Select); coding-DNA position 468, G replaced by A.
Protein change: p.Pro156=; no amino-acid change (proline 156 retained).
Molecular consequence: synonymous variant.
Genome position (GRCh38, 1-based): chr1:8,614,615, C>T on the plus strand (G>A on the coding strand, the complement: RERE is on the minus strand). VCF-style: chr1-8614615-C-T. GRCh37 (hg19) VCF-style: chr1-8674674-C-T.
Other names: c.468G>A, p.Pro156= (NM_012102.4).
Identifiers: ClinVar variation 2075233 (VCV002075233.28), dbSNP rs145344350, ClinGen allele CA572072.

ClinVar aggregate classification (germline): Likely benign. Review status: criteria provided, multiple submitters, no conflicts (2 of 4 stars). 2 submissions from 2 submitters: Likely benign (2). Last evaluated 2025-11-10.

Allele frequency attached by ClinVar (database versions not stated): ESP Exome Variant Server 0.00008; gnomAD 0.00011; TOPMed 0.00012; gnomAD exomes 0.00014; ExAC 0.00015; 1000 Genomes Project 30x 0.00016; 1000 Genomes Project 0.00020.
gnomAD v4.1: 232 of 1,612,872 alleles (0.014%); highest among the groups gnomAD compares: Middle Eastern, 0.13%; 2 homozygotes.

Submissions (2):

Labcorp Genetics (formerly Invitae), Labcorp
Classification: Likely benign. Last evaluated: 2025-11-10. Review status: criteria provided, single submitter. Criteria: Invitae Variant Classification Sherloc (09022015). Collection method: clinical testing. Allele origin: germline.

CeGaT Center for Human Genetics Tuebingen
Classification: Likely benign. Last evaluated: 2025-06-01. Review status: criteria provided, single submitter. Criteria: CeGaT Center For Human Genetics Tuebingen Variant Classification Criteria Version 2. Collection method: clinical testing. Allele origin: germline. Affected: yes. Observed: 3 variant alleles.
Comment: RERE: BP4, BP7